The following is an entry in ClinVar:

ClinVar aggregate classification (germline): Uncertain significance (1 of 4 stars; one submission).

Conditions:
Inborn genetic diseases. Identifiers: MedGen C0950123, MeSH D030342.

Submission:

Ambry Genetics
Classification: Uncertain significance for Inborn genetic diseases. Last evaluated: 2025-06-05. Review status: criteria provided, single submitter. Criteria: Ambry Variant Classification Scheme 2023. Collection method: clinical testing. Allele origin: germline.
Comment: The p.I1078M variant (also known as c.3234T>G), located in coding exon 24 of the ANKRD26 gene, results from a T to G substitution at nucleotide position 3234. The isoleucine at codon 1078 is replaced by methionine, an amino acid with highly similar properties. This amino acid position is conserved. In addition, this alteration is predicted to be tolerated by in silico analysis. Based on the available evidence, the clinical significance of this variant remains unclear.

NM_014915.3(ANKRD26):c.3234T>G (p.Ile1078Met)

Gene: ANKRD26 (ankyrin repeat domain containing 26; minus strand). Cytogenetic location: 10p12.1.
Variant type: single nucleotide variant.
Coding change: c.3234T>G on transcript NM_014915.3 (MANE Select); coding-DNA position 3234, T replaced by G.
Protein change: p.Ile1078Met; replaces isoleucine 1078 with methionine.
Molecular consequence: missense variant.
Genome position (GRCh38, 1-based): chr10:27,035,216, A>C on the plus strand (T>G on the coding strand, the complement: ANKRD26 is on the minus strand). VCF-style: chr10-27035216-A-C. GRCh37 (hg19) VCF-style: chr10-27324145-A-C.
Other names: c.3231T>G, p.Ile1077Met (NM_001256053.2); short protein forms I1078M, I1077M.
Identifiers: ClinVar variation 3915022 (VCV003915022.1).
Genomic context (GRCh38, chr10:27,035,216, plus strand): 5'-TTGTACCCGTTCTAAACCCAAAGTCTTTTCTCTGAGGGCATCTCTCGTGTGATGGAACTC[A>C]ATTTCTAGGCTATTGAGTTTACTTTCAGTTTTAAATAGTTGTTGAGAAAGAATCTCATTG-3'
Protein context (NP_055730.2, residues 1068-1088): KTESKLNSLE[Ile1078Met]EFHHTRDALR